The following is an entry in ClinVar:

NM_001172509.2(SATB2):c.1843C>A (p.Pro615Thr)

Genes: SATB2 (SATB homeobox 2; minus strand), LOC126806462 (MED14-independent group 3 enhancer GRCh37_chr2:200136608-200137807; plus strand). Cytogenetic location: 2q33.1.
Variant type: single nucleotide variant.
Coding change: c.1843C>A on transcript NM_001172509.2 (MANE Select); coding-DNA position 1843, C replaced by A.
Protein change: p.Pro615Thr; replaces proline 615 with threonine.
Molecular consequence: missense variant.
Genome position (GRCh38, 1-based): chr2:199,272,570, G>T on the plus strand (C>A on the coding strand, the complement: SATB2 is on the minus strand). VCF-style: chr2-199272570-G-T. GRCh37 (hg19) VCF-style: chr2-200137293-G-T.
Other names: c.1843C>A, p.Pro615Thr (NM_001172517.1, NM_015265.4); short protein forms P615T.
Identifiers: ClinVar variation 2846444 (VCV002846444.3), dbSNP rs1394335364, ClinGen allele CA350385881.

ClinVar aggregate classification (germline): Uncertain significance (1 of 4 stars; one submission).

Conditions:
Chromosome 2q32-q33 deletion syndrome (GLASS). Also called: Glass syndrome; 2q33.1 deletion syndrome. Identifiers: Orphanet 251019, MedGen C2676739, MONDO:0012864, OMIM 612313.

Submission:

Labcorp Genetics (formerly Invitae), Labcorp
Classification: Uncertain significance for Chromosome 2q32-q33 deletion syndrome. Last evaluated: 2023-04-10. Review status: criteria provided, single submitter. Criteria: Invitae Variant Classification Sherloc (09022015). Collection method: clinical testing. Allele origin: germline.
Comment: In summary, the available evidence is currently insufficient to determine the role of this variant in disease. Therefore, it has been classified as a Variant of Uncertain Significance. Advanced modeling of protein sequence and biophysical properties (such as structural, functional, and spatial information, amino acid conservation, physicochemical variation, residue mobility, and thermodynamic stability) performed at Invitae indicates that this missense variant is not expected to disrupt SATB2 protein function. This variant has not been reported in the literature in individuals affected with SATB2-related conditions. This variant is not present in population databases (gnomAD no frequency). This sequence change replaces proline, which is neutral and non-polar, with threonine, which is neutral and polar, at codon 615 of the SATB2 protein (p.Pro615Thr).